The following is an entry in ClinVar:

NM_001430.5(EPAS1):c.259A>G (p.Met87Val)

Gene: EPAS1 (endothelial PAS domain protein 1; plus strand). Cytogenetic location: 2p21.
Variant type: single nucleotide variant.
Coding change: c.259A>G on transcript NM_001430.5 (MANE Select); coding-DNA position 259, A replaced by G.
Protein change: p.Met87Val; replaces methionine 87 with valine.
Molecular consequence: missense variant.
Genome position (GRCh38, 1-based): chr2:46,356,192, A>G. VCF-style: chr2-46356192-A-G. GRCh37 (hg19) VCF-style: chr2-46583331-A-G.
Other names: short protein forms M87V.
Identifiers: ClinVar variation 1793609 (VCV001793609.3), dbSNP rs752805685, ClinGen allele CA46539134.

ClinVar aggregate classification (germline): Conflicting classifications of pathogenicity. Review status: criteria provided, conflicting classifications (1 of 4 stars). 2 submissions from 2 submitters: Uncertain significance (1); Likely benign (1). Last evaluated 2025-02-03.

Conditions:
Inborn genetic diseases. Identifiers: MedGen C0950123, MeSH D030342.
Asphyxiating thoracic dystrophy 3. Also called: SHORT-RIB THORACIC DYSPLASIA 3 WITH OR WITHOUT POLYDACTYLY; POLYDACTYLY WITH NEONATAL CHONDRODYSTROPHY, TYPE I; SHORT-RIB THORACIC DYSPLASIA 3/6 WITH POLYDACTYLY, DIGENIC; Short rib polydactyly syndrome 2B; Saldino-Noonan Syndrome. Identifiers: Orphanet 474, Orphanet 93269, Orphanet 93270, Orphanet 93271, MedGen C0036069, MONDO:0013127, OMIM 613091.

Submissions (2):

Johns Hopkins Genomics, Johns Hopkins University
Classification: Likely benign for Asphyxiating thoracic dystrophy 3. Last evaluated: 2025-02-03. Review status: criteria provided, single submitter. Criteria: ACMG Guidelines, 2015. Collection method: clinical testing. Allele origin: germline.
Comment: This variant is classified as likely benign (PM2, BP4, BP5).

Ambry Genetics
Classification: Uncertain significance for Inborn genetic diseases. Last evaluated: 2023-07-12. Review status: criteria provided, single submitter. Criteria: Ambry Variant Classification Scheme 2023. Collection method: clinical testing. Allele origin: germline.

Literature cited by the submitters: PubMed 18378852 (cited by Johns Hopkins Genomics, Johns Hopkins University); PubMed 28667082 (cited by Johns Hopkins Genomics, Johns Hopkins University).